The following is an entry in ClinVar:

ClinVar aggregate classification (germline): Uncertain significance (1 of 4 stars; one submission).

Conditions:
Epilepsy. Also called: Seizure disorder. Identifiers: MedGen C0014544, MeSH D004827, MONDO:0005027.

Allele frequency attached by ClinVar (database versions not stated): ExAC 0.00001; gnomAD exomes 0.00001; gnomAD 0.00002; TOPMed 0.00002.
gnomAD v4.1: 12 of 1,612,752 alleles (0.00074%); highest among the groups gnomAD compares: Middle Eastern, 0.016%; no homozygotes.

Submission:

Labcorp Genetics (formerly Invitae), Labcorp
Classification: Uncertain significance for Epilepsy. Last evaluated: 2022-01-04. Review status: criteria provided, single submitter. Criteria: Invitae Variant Classification Sherloc (09022015). Collection method: clinical testing. Allele origin: germline.
Comment: This sequence change replaces valine, which is neutral and non-polar, with methionine, which is neutral and non-polar, at codon 436 of the PIGQ protein (p.Val436Met). This variant is present in population databases (rs763106194, gnomAD 0.01%). This variant has not been reported in the literature in individuals affected with PIGQ-related conditions. Algorithms developed to predict the effect of missense changes on protein structure and function are either unavailable or do not agree on the potential impact of this missense change (SIFT: "Deleterious"; PolyPhen-2: "Probably Damaging"; Align-GVGD: "Class C0"). In summary, the available evidence is currently insufficient to determine the role of this variant in disease. Therefore, it has been classified as a Variant of Uncertain Significance.

NM_004204.5(PIGQ):c.1306G>A (p.Val436Met)

Gene: PIGQ (phosphatidylinositol glycan anchor biosynthesis class Q; plus strand). Cytogenetic location: 16p13.3.
Variant type: single nucleotide variant.
Coding change: c.1306G>A on transcript NM_004204.5 (MANE Select); coding-DNA position 1306, G replaced by A.
Protein change: p.Val436Met; replaces valine 436 with methionine.
Molecular consequence: missense variant.
Genome position (GRCh38, 1-based): chr16:579,151, G>A. VCF-style: chr16-579151-G-A. GRCh37 (hg19) VCF-style: chr16-629151-G-A.
Other names: c.1306G>A, p.Val436Met (NM_148920.4); short protein forms V436M.
Identifiers: ClinVar variation 1421946 (VCV001421946.5), dbSNP rs763106194, ClinGen allele CA7780216.